The following is an entry in ClinVar:

NM_015100.4(POGZ):c.2763dup (p.Thr922fs)

Gene: POGZ (pogo transposable element derived with ZNF domain; minus strand). Cytogenetic location: 1q21.3.
Variant type: Duplication.
Coding change: c.2763dup on transcript NM_015100.4 (MANE Select); coding-DNA position 2763, one base duplicated (C; older notation c.2763dupC).
Protein change: p.Thr922fs; shifts the reading frame from threonine 922.
Molecular consequence: frameshift variant.
Genome position (GRCh38, 1-based): chr1:151,406,272, G duplicated on the plus strand (C on the coding strand, the reverse complement: POGZ is on the minus strand); the first of 5 consecutive G bases (chr1:151,406,272-151,406,276); duplicating any one gives the same sequence. VCF-style (leftmost placement, unchanged base first): chr1-151406271-T-TG. GRCh37 (hg19) VCF-style: chr1-151378747-T-TG.
Other names: c.2736dup, p.Thr913fs (NM_001194937.2); c.2577dup, p.Thr860fs (NM_001194938.2); c.2478dup, p.Thr827fs (NM_145796.4); c.2604dup, p.Thr869fs (NM_207171.2); short protein forms T860fs, T827fs, T922fs, T869fs, T913fs.
Identifiers: ClinVar variation 218147 (VCV000218147.3), dbSNP rs864321672, ClinGen allele CA347918.

ClinVar aggregate classification (germline): Pathogenic. Review status: criteria provided, single submitter (1 of 4 stars). 3 submissions from 3 submitters: Pathogenic (1). 2 of the submissions do not count toward it. Last evaluated 2017-07-25.

Conditions:
Intellectual disability-microcephaly-strabismus-behavioral abnormalities syndrome. Also called: White-Sutton Syndrome. Identifiers: Orphanet 468678, MedGen C4225351, MONDO:0014606, OMIM 616364.

Submissions (3):

GeneDx
Classification: Pathogenic. Last evaluated: 2017-07-25. Review status: criteria provided, single submitter. Criteria: GeneDx Variant Classification (06012015). Collection method: clinical testing. Allele origin: germline. Affected: yes.
Comment: The c.2763dupC variant in the POGZ gene has been reported previously as de novo in an individual with developmental delay, behavior problems, microcephaly, hearing loss, short stature, congenital malformations, cortical blindness, and dysmorphic features (White et al., 2016). The c.2763dupC variant causes a frameshift starting with codon Threonine 922, changes this amino acid to a Histidine residue, and creates a premature Stop codon at position 22 of the new reading frame, denoted p.Thr922HisfsX22. This variant is predicted to cause loss of normal protein function through protein truncation as the last 489 amino acids are lost and replaced by 21 incorrect amino acids. The c.2763dupC variant is not observed in large population cohorts (Lek et al., 2016; 1000 Genomes Consortium et al., 2015; Exome Variant Server). We interpret c.2763dupC as a pathogenic variant.

OMIM
Classification: Pathogenic for WHITE-SUTTON SYNDROME. Last evaluated: 2016-01-06. Review status: no assertion criteria provided. Collection method: literature only. Allele origin: germline. Not counted in ClinVar's aggregate classification.

Lupski Lab, Baylor-Hopkins CMG, Baylor College of Medicine
Classification: Pathogenic for Intellectual disability-microcephaly-strabismus-behavioral abnormalities syndrome. Last evaluated: 2015-11-10. Review status: no assertion criteria provided. Collection method: clinical testing. Allele origin: de novo. Inheritance: Autosomal dominant inheritance. Affected: yes. Not counted in ClinVar's aggregate classification.

Literature cited by the submitters: PubMed 26739615 (cited by OMIM and Lupski Lab, Baylor-Hopkins CMG, Baylor College of Medicine); PubMed 25533962 (cited by Lupski Lab, Baylor-Hopkins CMG, Baylor College of Medicine).